The following is an entry in ClinVar:

ClinVar aggregate classification (germline): Uncertain significance. Review status: criteria provided, multiple submitters, no conflicts (2 of 4 stars). 4 submissions from 4 submitters: Uncertain significance (4). Last evaluated 2024-09-13.

Conditions:
Inborn genetic diseases. Identifiers: MedGen C0950123, MeSH D030342.
Cone-rod dystrophy 20 (CORD20). Identifiers: Orphanet 1872, MedGen C4014856, MONDO:0014427, OMIM 615973.

Allele frequency attached by ClinVar (database versions not stated): gnomAD 0.00001; gnomAD exomes 0.00002 and 0.00003; ExAC 0.00003; TOPMed 0.00003; 1000 Genomes Project 30x 0.00016; 1000 Genomes Project 0.00020.
gnomAD v4.1: 33 of 1,609,594 alleles (0.0021%); highest among the groups gnomAD compares: Middle Eastern, 0.017%; no homozygotes.

Submissions (4):

Blueprint Genetics
Classification: Uncertain significance. Last evaluated: 2024-09-13. Review status: criteria provided, single submitter. Criteria: ACMG Guidelines, 2015. Collection method: clinical testing. Allele origin: germline.

Fulgent Genetics
Classification: Uncertain significance for Cone-rod dystrophy 20. Last evaluated: 2024-05-01. Review status: criteria provided, single submitter. Criteria: ACMG Guidelines, 2015. Collection method: clinical testing. Allele origin: germline.

Ambry Genetics
Classification: Uncertain significance for Inborn genetic diseases. Last evaluated: 2023-08-21. Review status: criteria provided, single submitter. Criteria: Ambry Variant Classification Scheme 2023. Collection method: clinical testing. Allele origin: germline.

Labcorp Genetics (formerly Invitae), Labcorp
Classification: Uncertain significance. Last evaluated: 2022-10-13. Review status: criteria provided, single submitter. Criteria: Invitae Variant Classification Sherloc (09022015). Collection method: clinical testing. Allele origin: germline.
Comment: This variant is present in population databases (rs571118434, gnomAD 0.009%). In summary, the available evidence is currently insufficient to determine the role of this variant in disease. Therefore, it has been classified as a Variant of Uncertain Significance. Advanced modeling of protein sequence and biophysical properties (such as structural, functional, and spatial information, amino acid conservation, physicochemical variation, residue mobility, and thermodynamic stability) performed at Invitae indicates that this missense variant is not expected to disrupt POC1B protein function. ClinVar contains an entry for this variant (Variation ID: 1016240). This missense change has been observed in individual(s) with clinical features of POC1B-related conditions (Invitae). In at least one individual the data is consistent with being in trans (on the opposite chromosome) from a pathogenic variant. This sequence change replaces glutamine, which is neutral and polar, with arginine, which is basic and polar, at codon 115 of the POC1B protein (p.Gln115Arg).

NM_172240.3(POC1B):c.344A>G (p.Gln115Arg)

Genes: POC1B (POC1 centriolar protein B; minus strand), POC1B-DUSP6 (POC1B-DUSP6 readthrough; minus strand). Cytogenetic location: 12q21.33.
Variant type: single nucleotide variant.
Coding change: c.344A>G on transcript NM_172240.3 (MANE Select); coding-DNA position 344, A replaced by G.
Protein change: p.Gln115Arg; replaces glutamine 115 with arginine.
Molecular consequence: missense variant. On other transcripts: non-coding transcript variant (2).
Genome position (GRCh38, 1-based): chr12:89,492,044, T>C on the plus strand (A>G on the coding strand, the complement: POC1B is on the minus strand). VCF-style: chr12-89492044-T-C. GRCh37 (hg19) VCF-style: chr12-89885821-T-C.
Other names: c.344A>G (NM_172240.2); c.218A>G, p.Gln73Arg (NM_001199777.2); short protein forms Q115R, Q73R.
Identifiers: ClinVar variation 1016240 (VCV001016240.10), dbSNP rs571118434, ClinGen allele CA6714540.